The following is an entry in ClinVar:

NM_000059.4(BRCA2):c.6360_6365del (p.Met2122_Glu2123del)

Gene: BRCA2 (BRCA2 DNA repair associated; plus strand). Cytogenetic location: 13q13.1.
Variant type: Deletion.
Coding change: c.6360_6365del on transcript NM_000059.4 (MANE Select); coding-DNA positions 6360 to 6365, 6 bases deleted (AGAAAT; older notation c.6360_6365delAGAAAT).
Protein change: p.Met2122_Glu2123del.
Molecular consequence: inframe deletion.
Genome position (GRCh38, 1-based): chr13:32,340,715-32,340,720, AGAAAT deleted. VCF-style (leftmost placement, unchanged base first): chr13-32340714-CAGAAAT-C. GRCh37 (hg19) VCF-style: chr13-32914851-CAGAAAT-C.
Other names: c.6360_6365delAGAAAT (NM_000059.3).
Identifiers: ClinVar variation 481592 (VCV000481592.6), dbSNP rs1555284652, ClinGen allele CA658656331.

ClinVar aggregate classification (germline): Uncertain significance (1 of 4 stars; one submission).

Conditions:
Hereditary cancer-predisposing syndrome. Also called: Neoplastic Syndromes, Hereditary; Tumor predisposition; Hereditary Cancer Syndrome; Hereditary neoplastic syndrome. Identifiers: Orphanet 140162, MedGen C0027672, MeSH D009386, MONDO:0015356.

Submission:

Ambry Genetics
Classification: Uncertain significance for Hereditary cancer-predisposing syndrome. Last evaluated: 2025-02-04. Review status: criteria provided, single submitter. Criteria: Ambry Variant Classification Scheme 2023. Collection method: clinical testing. Allele origin: germline.
Comment: The c.6360_6365delAGAAAT variant (also known as p.M2122_E2123del) is located in coding exon 10 of the BRCA2 gene. This variant results from an in-frame AGAAAT deletion at nucleotide positions 6360 to 6365. This results in the in-frame deletion of a methionine and glutamic acid residue between codons 2122 and 2133. In addition, the in silico prediction for this alteration is inconclusive (Choi Y et al. PLoS ONE. 2012; 7(10):e46688). This amino acid position is poorly conserved in available vertebrate species. Since supporting evidence is limited at this time, the clinical significance of this alteration remains unclear.